The following is an entry in ClinVar:

ClinVar aggregate classification (germline): Uncertain significance (1 of 4 stars; one submission).

Submission:

CeGaT Center for Human Genetics Tuebingen
Classification: Uncertain significance. Last evaluated: 2023-07-01. Review status: criteria provided, single submitter. Criteria: CeGaT Center For Human Genetics Tuebingen Variant Classification Criteria Version 2. Collection method: clinical testing. Allele origin: germline. Affected: yes. Observed: 1 variant allele.
Comment: NLRP1: PM2

NM_033004.4(NLRP1):c.1867C>G (p.His623Asp)

Gene: NLRP1 (NLR family pyrin domain containing 1; minus strand). Cytogenetic location: 17p13.2.
Variant type: single nucleotide variant.
Coding change: c.1867C>G on transcript NM_033004.4 (MANE Select); coding-DNA position 1867, C replaced by G.
Protein change: p.His623Asp; replaces histidine 623 with aspartic acid.
Molecular consequence: missense variant.
Genome position (GRCh38, 1-based): chr17:5,558,829, G>C on the plus strand (C>G on the coding strand, the complement: NLRP1 is on the minus strand). VCF-style: chr17-5558829-G-C. GRCh37 (hg19) VCF-style: chr17-5462149-G-C.
Other names: c.1867C>G, p.His623Asp (NM_001033053.3, NM_014922.5, NM_033006.4 and 1 more transcripts); short protein forms H623D.
Identifiers: ClinVar variation 2578777 (VCV002578777.25), dbSNP rs2507937099, ClinGen allele CA397384325.